The following is an entry in ClinVar:

ClinVar aggregate classification (germline): Uncertain significance (1 of 4 stars; one submission).

Conditions:
Developmental and epileptic encephalopathy, 23 (DEE23). Also called: Epileptic encephalopathy, early infantile, 23. Identifiers: Orphanet 411986, MedGen C4014492, MONDO:0014371, OMIM 615859.

gnomAD v4.1: 2 of 1,549,740 alleles (0.00013%); highest among the groups gnomAD compares: Admixed American, 0.0039%; no homozygotes.

Submission:

Labcorp Genetics (formerly Invitae), Labcorp
Classification: Uncertain significance for Developmental and epileptic encephalopathy, 23. Last evaluated: 2020-04-06. Review status: criteria provided, single submitter. Criteria: Invitae Variant Classification Sherloc (09022015). Collection method: clinical testing. Allele origin: germline.
Comment: In summary, the available evidence is currently insufficient to determine the role of this variant in disease. Therefore, it has been classified as a Variant of Uncertain Significance. Algorithms developed to predict the effect of missense changes on protein structure and function are either unavailable or do not agree on the potential impact of this missense change (SIFT: "Not Available"; PolyPhen-2: "Benign"; Align-GVGD: "Class C0"). This variant has not been reported in the literature in individuals with DOCK7-related conditions. The frequency data for this variant in the population databases is considered unreliable, as metrics indicate insufficient coverage at this position in the ExAC database. This sequence change replaces serine with tyrosine at codon 943 of the DOCK7 protein (p.Ser943Tyr). The serine residue is weakly conserved and there is a large physicochemical difference between serine and tyrosine.

NM_001367561.1(DOCK7):c.2828C>A (p.Ser943Tyr)

Gene: DOCK7 (dedicator of cytokinesis 7; minus strand). Cytogenetic location: 1p31.3.
Variant type: single nucleotide variant.
Coding change: c.2828C>A on transcript NM_001367561.1 (MANE Select); coding-DNA position 2828, C replaced by A.
Protein change: p.Ser943Tyr; replaces serine 943 with tyrosine.
Molecular consequence: missense variant. On other transcripts: intron variant (3).
Genome position (GRCh38, 1-based): chr1:62,544,978, G>T on the plus strand (C>A on the coding strand, the complement: DOCK7 is on the minus strand). VCF-style: chr1-62544978-G-T. GRCh37 (hg19) VCF-style: chr1-63010649-G-T.
Other names: c.2828C>A, p.Ser943Tyr (NM_001271999.2, NM_001330614.2); c.2767-1233C>A (NM_001272001.2, NM_001272000.2, NM_033407.4); short protein forms S943Y.
Identifiers: ClinVar variation 1055153 (VCV001055153.11), dbSNP rs61742951, ClinGen allele CA340615836.